The following is an entry in ClinVar:

ClinVar aggregate classification (germline): Uncertain significance. Review status: criteria provided, multiple submitters, no conflicts (2 of 4 stars). 3 submissions from 3 submitters: Uncertain significance (3). Last evaluated 2024-09-15.

Conditions:
Autosomal recessive nonsyndromic hearing loss 97. Also called: Deafness, autosomal recessive 97. Identifiers: Orphanet 90636, MedGen C4084709, MONDO:0014739, OMIM 616705.
Renal cell carcinoma. Identifiers: Orphanet 217071, MedGen C0007134, MeSH D002292, MONDO:0005086, HP:0005584.
Hereditary cancer-predisposing syndrome. Also called: Neoplastic Syndromes, Hereditary; Hereditary Cancer Syndrome; Hereditary neoplastic syndrome; Tumor predisposition. Identifiers: Orphanet 140162, MedGen C0027672, MeSH D009386, MONDO:0015356.

Submissions (3):

Ambry Genetics
Classification: Uncertain significance for Hereditary cancer-predisposing syndrome. Last evaluated: 2024-09-15. Review status: criteria provided, single submitter. Criteria: Ambry Variant Classification Scheme 2023. Collection method: clinical testing. Allele origin: germline.
Comment: The p.K1237R variant (also known as c.3710A>G), located in coding exon 18 of the MET gene, results from an A to G substitution at nucleotide position 3710. The lysine at codon 1237 is replaced by arginine, an amino acid with highly similar properties. This amino acid position is conserved. In addition, this alteration is predicted to be deleterious by in silico analysis. Based on the available evidence, the clinical significance of this variant remains unclear.

Baylor Genetics
Classification: Uncertain significance for Autosomal recessive nonsyndromic hearing loss 97. Last evaluated: 2024-02-16. Review status: criteria provided, single submitter. Criteria: ACMG Guidelines, 2015. Collection method: clinical testing. Allele origin: unknown.

Labcorp Genetics (formerly Invitae), Labcorp
Classification: Uncertain significance for Renal cell carcinoma. Last evaluated: 2023-04-28. Review status: criteria provided, single submitter. Criteria: Invitae Variant Classification Sherloc (09022015). Collection method: clinical testing. Allele origin: germline.
Comment: This sequence change replaces lysine, which is basic and polar, with arginine, which is basic and polar, at codon 1237 of the MET protein (p.Lys1237Arg). This variant is not present in population databases (gnomAD no frequency). This variant has not been reported in the literature in individuals affected with MET-related conditions. ClinVar contains an entry for this variant (Variation ID: 2109001). Advanced modeling of protein sequence and biophysical properties (such as structural, functional, and spatial information, amino acid conservation, physicochemical variation, residue mobility, and thermodynamic stability) performed at Invitae indicates that this missense variant is not expected to disrupt MET protein function. In summary, the available evidence is currently insufficient to determine the role of this variant in disease. Therefore, it has been classified as a Variant of Uncertain Significance.

NM_000245.4(MET):c.3656A>G (p.Lys1219Arg)

Gene: MET (MET proto-oncogene, receptor tyrosine kinase; plus strand). Cytogenetic location: 7q31.2.
Variant type: single nucleotide variant.
Coding change: c.3656A>G on transcript NM_000245.4 (MANE Select); coding-DNA position 3656, A replaced by G.
Protein change: p.Lys1219Arg; replaces lysine 1219 with arginine.
Molecular consequence: missense variant.
Genome position (GRCh38, 1-based): chr7:116,783,327, A>G. VCF-style: chr7-116783327-A-G. GRCh37 (hg19) VCF-style: chr7-116423381-A-G.
Other names: c.3710A>G, p.Lys1237Arg (NM_001127500.3); c.2366A>G, p.Lys789Arg (NM_001324402.2); short protein forms K1219R, K1237R, K789R.
Identifiers: ClinVar variation 2109001 (VCV002109001.6), dbSNP rs2117065573, ClinGen allele CA368991461.
Genomic context (GRCh38, chr7:116,783,327, plus strand): 5'-TTTCAGCCACGGGTAATAATTTTTGTCCTTTCTGTAGGCTGGATGAAAAATTCACAGTCA[A>G]GGTTGCTGATTTTGGTCTTGCCAGAGACATGTATGATAAAGAATACTATAGTGTACACAA-3'
Protein context (NP_000236.2, residues 1209-1229): NCMLDEKFTV[Lys1219Arg]VADFGLARDM